The following is an entry in ClinVar:

NM_001999.4(FBN2):c.3166G>T (p.Ala1056Ser)

Genes: FBN2 (fibrillin 2; minus strand), LOC126807501 (BRD4-independent group 4 enhancer GRCh37_chr5:127680731-127681930; plus strand). Cytogenetic location: 5q23.3.
Variant type: single nucleotide variant.
Coding change: c.3166G>T on transcript NM_001999.4 (MANE Select); coding-DNA position 3166, G replaced by T.
Protein change: p.Ala1056Ser; replaces alanine 1056 with serine.
Molecular consequence: missense variant.
Genome position (GRCh38, 1-based): chr5:128,345,408, C>A on the plus strand (G>T on the coding strand, the complement: FBN2 is on the minus strand). VCF-style: chr5-128345408-C-A. GRCh37 (hg19) VCF-style: chr5-127681100-C-A.
Other names: p.A1056S:GCT>TCT; p.Ala1056Ser; short protein forms A1056S.
Identifiers: ClinVar variation 137324 (VCV000137324.36), dbSNP rs28763945, ClinGen allele CA290866.

ClinVar aggregate classification (germline): Benign/Likely benign. Review status: criteria provided, multiple submitters, no conflicts (2 of 4 stars). 14 submissions from 13 submitters: Benign (9); Likely benign (3). 2 of the submissions do not count toward it. Last evaluated 2026-02-01.

Conditions:
Connective tissue disorder. Also called: Connective tissue disease. Identifiers: MedGen C0009782, MONDO:0003900.
Ehlers-Danlos syndrome (EDS). Identifiers: Orphanet 98249, MedGen C0013720, MONDO:0020066.
Familial thoracic aortic aneurysm and aortic dissection (TAAD). Also called: Thoracic aortic aneurysms and dissections. Identifiers: Orphanet 91387, MedGen C4707243, MONDO:0019625.
Congenital contractural arachnodactyly (CCA). Also called: BEALS SYNDROME; Arthrogryposis, distal, type 9; Beals-Hecht syndrome. Identifiers: Orphanet 115, MedGen C0220668, MONDO:0007363, OMIM 121050.

Allele frequency attached by ClinVar (database versions not stated): gnomAD exomes 0.00079 and 0.00191; ExAC 0.00228; gnomAD 0.00731 and 0.00784; TOPMed 0.00830; ESP Exome Variant Server 0.00884; 1000 Genomes Project 0.00899; 1000 Genomes Project 30x 0.01062.
gnomAD v4.1: 2,314 of 1,614,162 alleles (0.14%); highest among the groups gnomAD compares: African/African-American, 2.6%; 26 homozygotes.

Submissions (14):

Labcorp Genetics (formerly Invitae), Labcorp
Classification: Benign for Congenital contractural arachnodactyly. Last evaluated: 2026-02-01. Review status: criteria provided, single submitter. Criteria: Invitae Variant Classification Sherloc (09022015). Collection method: clinical testing. Allele origin: germline.

Genomic Medicine Center of Excellence, King Faisal Specialist Hospital and Research Centre
Classification: Likely benign. Last evaluated: 2025-08-18. Review status: criteria provided, single submitter. Criteria: ACMG Guidelines, 2015. Collection method: clinical testing. Allele origin: germline.

ARUP Laboratories, Molecular Genetics and Genomics, ARUP Laboratories
Classification: Benign. Last evaluated: 2025-03-11. Review status: criteria provided, single submitter. Criteria: ARUP Molecular Germline Variant Investigation Process 2024. Collection method: clinical testing. Allele origin: germline.

Blueprint Genetics
Classification: Likely benign. Last evaluated: 2024-11-11. Review status: criteria provided, single submitter. Criteria: ACMG Guidelines, 2015. Collection method: clinical testing. Allele origin: germline.

Women's Health and Genetics/Laboratory Corporation of America, LabCorp
Classification: Likely benign. Last evaluated: 2023-08-24. Review status: criteria provided, single submitter. Criteria: LabCorp Variant Classification Summary - May 2015. Collection method: clinical testing. Allele origin: germline.

Mayo Clinic Laboratories, Mayo Clinic
Classification: Benign. Last evaluated: 2022-12-14. Review status: criteria provided, single submitter. Criteria: ACMG Guidelines, 2015. Collection method: clinical testing. Allele origin: germline. Observed: 4 variant alleles.
Comment: BS1, BS2

Genome Diagnostics Laboratory, The Hospital for Sick Children
Classification: Benign for Ehlers-Danlos syndrome. Last evaluated: 2021-11-01. Review status: criteria provided, single submitter. Criteria: ACMG Guidelines, 2015. Collection method: clinical testing. Allele origin: germline.

Genome Diagnostics Laboratory, The Hospital for Sick Children
Classification: Benign for Connective tissue disorder. Last evaluated: 2021-11-01. Review status: criteria provided, single submitter. Criteria: ACMG Guidelines, 2015. Collection method: clinical testing. Allele origin: germline.

Illumina Laboratory Services, Illumina
Classification: Benign for Congenital contractural arachnodactyly. Last evaluated: 2018-01-12. Review status: criteria provided, single submitter. Criteria: ICSL Variant Classification Criteria 13 December 2019. Collection method: clinical testing. Allele origin: germline.
Comment: This variant was observed in the ICSL laboratory as part of a predisposition screen in an ostensibly healthy population. It had not been previously curated by ICSL or reported in the Human Gene Mutation Database (HGMD: prior to June 1st, 2018), and was therefore a candidate for classification through an automated scoring system. Utilizing variant allele frequency, disease prevalence and penetrance estimates, and inheritance mode, an automated score was calculated to assess if this variant is too frequent to cause the disease. Based on the score and internal cut-off values, a variant classified as benign is not then subjected to further curation. The score for this variant resulted in a classification of benign for this disease.

Ambry Genetics
Classification: Benign for Familial thoracic aortic aneurysm and aortic dissection. Last evaluated: 2014-05-29. Review status: criteria provided, single submitter. Criteria: Ambry Variant Classification Scheme 2023. Collection method: clinical testing. Allele origin: germline.

GeneDx
Classification: Benign. Last evaluated: 2013-03-14. Review status: criteria provided, single submitter. Criteria: GeneDx Variant Classification (06012015). Collection method: clinical testing. Allele origin: germline. Affected: yes.
Comment: This variant is considered likely benign or benign based on one or more of the following criteria: it is a conservative change, it occurs at a poorly conserved position in the protein, it is predicted to be benign by multiple in silico algorithms, and/or has population frequency not consistent with disease.

PreventionGenetics, part of Exact Sciences
Classification: Benign. Review status: criteria provided, single submitter. Criteria: ACMG Guidelines, 2015. Collection method: clinical testing. Allele origin: germline.

Genome Diagnostics Laboratory, Amsterdam University Medical Center
Classification: Benign. Review status: no assertion criteria provided. Collection method: clinical testing. Allele origin: germline. Affected: yes. Study: VKGL Data-share Consensus. Not counted in ClinVar's aggregate classification.

Laboratory of Diagnostic Genome Analysis, Leiden University Medical Center (LUMC)
Classification: Likely benign. Review status: no assertion criteria provided. Collection method: clinical testing. Allele origin: germline. Affected: yes. Study: VKGL Data-share Consensus. Not counted in ClinVar's aggregate classification.